The following is an entry in ClinVar:

ClinVar aggregate classification (germline): Uncertain significance. Review status: criteria provided, multiple submitters, no conflicts (2 of 4 stars). 2 submissions from 2 submitters: Uncertain significance (2). Last evaluated 2025-09-01.

Conditions:
Inborn genetic diseases. Identifiers: MedGen C0950123, MeSH D030342.

Allele frequency attached by ClinVar (database versions not stated): ExAC 0.00003; gnomAD 0.00003; TOPMed 0.00003.
gnomAD v4.1: 31 of 1,613,584 alleles (0.0019%); highest among the groups gnomAD compares: Admixed American, 0.027%; no homozygotes.

Submissions (2):

Ambry Genetics
Classification: Uncertain significance for Inborn genetic diseases. Last evaluated: 2025-09-01. Review status: criteria provided, single submitter. Criteria: Ambry Variant Classification Scheme 2023. Collection method: clinical testing. Allele origin: germline.

Labcorp Genetics (formerly Invitae), Labcorp
Classification: Uncertain significance. Last evaluated: 2022-08-16. Review status: criteria provided, single submitter. Criteria: Invitae Variant Classification Sherloc (09022015). Collection method: clinical testing. Allele origin: germline.
Comment: This variant has not been reported in the literature in individuals affected with EPS8-related conditions. This variant is present in population databases (rs775283555, gnomAD 0.03%). This sequence change replaces valine, which is neutral and non-polar, with methionine, which is neutral and non-polar, at codon 716 of the EPS8 protein (p.Val716Met). Algorithms developed to predict the effect of missense changes on protein structure and function output the following: SIFT: "Tolerated"; PolyPhen-2: "Benign"; Align-GVGD: "Class C0". The methionine amino acid residue is found in multiple mammalian species, which suggests that this missense change does not adversely affect protein function. In summary, the available evidence is currently insufficient to determine the role of this variant in disease. Therefore, it has been classified as a Variant of Uncertain Significance.

NM_004447.6(EPS8):c.2146G>A (p.Val716Met)

Gene: EPS8 (EGFR pathway substrate 8, signaling adaptor; minus strand). Cytogenetic location: 12p12.3.
Variant type: single nucleotide variant.
Coding change: c.2146G>A on transcript NM_004447.6 (MANE Select); coding-DNA position 2146, G replaced by A.
Protein change: p.Val716Met; replaces valine 716 with methionine.
Molecular consequence: missense variant.
Genome position (GRCh38, 1-based): chr12:15,624,306, C>T on the plus strand (G>A on the coding strand, the complement: EPS8 is on the minus strand). VCF-style: chr12-15624306-C-T. GRCh37 (hg19) VCF-style: chr12-15777240-C-T.
Other names: c.2182G>A, p.Val728Met (NM_001413831.1); c.2146G>A, p.Val716Met (NM_001413832.1, NM_001413833.1, NM_001413834.1); c.1906G>A, p.Val636Met (NM_001413835.1, NM_001413836.1); c.1729G>A, p.Val577Met (NM_001413837.1); c.1366G>A, p.Val456Met (NM_001413838.1); c.2146G>A (NM_004447.5); short protein forms V577M, V716M, V456M, V636M, V728M.
Identifiers: ClinVar variation 2144784 (VCV002144784.5), dbSNP rs775283555, ClinGen allele CA6467346.